The following is an entry in ClinVar:

ClinVar aggregate classification (germline): Uncertain significance. Review status: criteria provided, multiple submitters, no conflicts (2 of 4 stars). 3 submissions from 3 submitters: Uncertain significance (3). Last evaluated 2025-03-09.

Conditions:
Intellectual disability, autosomal dominant 24 (VSVS). Also called: VULTO-VAN SILFHOUT-DE VRIES SYNDROME. Identifiers: MedGen C4014414, MONDO:0014357, OMIM 615828.
Inborn genetic diseases. Identifiers: MedGen C0950123, MeSH D030342.

gnomAD v4.1: 1 of 1,613,714 alleles (0.000062%); highest among the groups gnomAD compares: African/African-American, 0.0013%; no homozygotes.

Submissions (3):

Labcorp Genetics (formerly Invitae), Labcorp
Classification: Uncertain significance. Last evaluated: 2025-03-09. Review status: criteria provided, single submitter. Criteria: Invitae Variant Classification Sherloc (09022015). Collection method: clinical testing. Allele origin: germline.
Comment: This sequence change replaces valine, which is neutral and non-polar, with aspartic acid, which is acidic and polar, at codon 113 of the DEAF1 protein (p.Val113Asp). This variant is not present in population databases (gnomAD no frequency). This variant has not been reported in the literature in individuals affected with DEAF1-related conditions. ClinVar contains an entry for this variant (Variation ID: 1525542). Invitae Evidence Modeling of protein sequence and biophysical properties (such as structural, functional, and spatial information, amino acid conservation, physicochemical variation, residue mobility, and thermodynamic stability) indicates that this missense variant is expected to disrupt DEAF1 protein function with a positive predictive value of 95%. In summary, the available evidence is currently insufficient to determine the role of this variant in disease. Therefore, it has been classified as a Variant of Uncertain Significance.

Ambry Genetics
Classification: Uncertain significance for Inborn genetic diseases. Last evaluated: 2025-03-04. Review status: criteria provided, single submitter. Criteria: Ambry Variant Classification Scheme 2023. Collection method: clinical testing. Allele origin: germline.

Neuberg Centre For Genomic Medicine, NCGM
Classification: Uncertain significance for Intellectual disability, autosomal dominant 24. Review status: criteria provided, single submitter. Criteria: ACMG Guidelines, 2015. Collection method: clinical testing. Allele origin: germline. Inheritance: Autosomal dominant inheritance. Affected: yes.
Comment: The missense variant p.V113D in DEAF1 (NM_021008.4) has not been reported previously as a pathogenic variant nor as a benign variant, to our knowledge. The p.V113D variant is novel (not in any individuals) in gnomAD Exomes and is novel (not in any individuals) in 1000 Genomes. The p.V113D missense variant is predicted to be damaging by both SIFT and PolyPhen2. The valine residue at codon 113 of DEAF1 is conserved in all mammalian species. The nucleotide c.338 in DEAF1 is predicted conserved by GERP++ and PhyloP across 100 vertebrates. For these reasons, this variant has been classified as Uncertain Significance.

NM_021008.4(DEAF1):c.338T>A (p.Val113Asp)

Gene: DEAF1 (DEAF1 transcription factor; minus strand). Cytogenetic location: 11p15.5.
Variant type: single nucleotide variant.
Coding change: c.338T>A on transcript NM_021008.4 (MANE Select); coding-DNA position 338, T replaced by A.
Protein change: p.Val113Asp; replaces valine 113 with aspartic acid.
Molecular consequence: missense variant. On other transcripts: 5 prime UTR variant (1).
Genome position (GRCh38, 1-based): chr11:691,550, A>T on the plus strand (T>A on the coding strand, the complement: DEAF1 is on the minus strand). VCF-style: chr11-691550-A-T. GRCh37 (hg19) VCF-style: chr11-691550-A-T.
Other names: c.338T>A (NM_021008.2); c.338T>A, p.Val113Asp (NM_001293634.2); c.-389T>A (NM_001367390.1); short protein forms V113D.
Identifiers: ClinVar variation 1525542 (VCV001525542.8), dbSNP rs771686625, ClinGen allele CA378937800.